The following is an entry in ClinVar:

NM_000321.3(RB1):c.331G>A (p.Asp111Asn)

Gene: RB1 (RB transcriptional corepressor 1; plus strand). Cytogenetic location: 13q14.2.
Variant type: single nucleotide variant.
Coding change: c.331G>A on transcript NM_000321.3 (MANE Select); coding-DNA position 331, G replaced by A.
Protein change: p.Asp111Asn; replaces aspartic acid 111 with asparagine.
Molecular consequence: missense variant.
Genome position (GRCh38, 1-based): chr13:48,342,665, G>A. VCF-style: chr13-48342665-G-A. GRCh37 (hg19) VCF-style: chr13-48916801-G-A.
Other names: short protein forms D111N.
Identifiers: ClinVar variation 882646 (VCV000882646.11), dbSNP rs1952456285, ClinGen allele CA388252457.

ClinVar aggregate classification (germline): Uncertain significance. Review status: criteria provided, multiple submitters, no conflicts (2 of 4 stars). 2 submissions from 2 submitters: Uncertain significance (2). Last evaluated 2026-01-28.

Conditions:
Retinoblastoma (RB1). Also called: RETINOBLASTOMA, SOMATIC. Identifiers: Orphanet 790, MedGen C0035335, MeSH D012175, MONDO:0008380, OMIM 180200, HP:0009919. Disease mechanism: loss of function. Inheritance: Both sporadic and heritable forms are tested..

Allele frequency attached by ClinVar (database versions not stated): gnomAD exomes below 0.00001.
gnomAD v4.1: 2 of 1,612,810 alleles (0.00012%); highest among the groups gnomAD compares: Non-Finnish European, 0.00017%; no homozygotes.

Submissions (2):

Labcorp Genetics (formerly Invitae), Labcorp
Classification: Uncertain significance for Retinoblastoma. Last evaluated: 2026-01-28. Review status: criteria provided, single submitter. Criteria: Invitae Variant Classification Sherloc (09022015). Collection method: clinical testing. Allele origin: germline.
Comment: This sequence change replaces aspartic acid, which is acidic and polar, with asparagine, which is neutral and polar, at codon 111 of the RB1 protein (p.Asp111Asn). This variant is not present in population databases (gnomAD no frequency). This variant has not been reported in the literature in individuals affected with RB1-related conditions. ClinVar contains an entry for this variant (Variation ID: 882646). Invitae Evidence Modeling of protein sequence and biophysical properties (such as structural, functional, and spatial information, amino acid conservation, physicochemical variation, residue mobility, and thermodynamic stability) indicates that this missense variant is not expected to disrupt RB1 protein function with a negative predictive value of 80%. In summary, the available evidence is currently insufficient to determine the role of this variant in disease. Therefore, it has been classified as a Variant of Uncertain Significance.

Illumina Laboratory Services, Illumina
Classification: Uncertain significance for Retinoblastoma. Last evaluated: 2018-01-13. Review status: criteria provided, single submitter. Criteria: ICSL Variant Classification Criteria 13 December 2019. Collection method: clinical testing. Allele origin: germline.